The following is an entry in ClinVar:

ClinVar aggregate classification (germline): Likely benign. Review status: criteria provided, multiple submitters, no conflicts (2 of 4 stars). 2 submissions from 2 submitters: Likely benign (2). Last evaluated 2024-04-01.

Conditions:
Metachromatic leukodystrophy (MLD). Also called: ARSA DEFICIENCY; CEREBROSIDE SULFATASE DEFICIENCY; METACHROMATIC LEUKOENCEPHALOPATHY; SULFATIDE LIPIDOSIS; Cerebral sclerosis diffuse metachromatic form; Arylsulfatase A Deficiency. Identifiers: Orphanet 512, MedGen C0023522, MONDO:0018868, OMIM 250100.

Allele frequency attached by ClinVar (database versions not stated): ExAC 0.00002.
gnomAD v4.1: 1 of 1,589,478 alleles (0.000063%); highest among the groups gnomAD compares: Non-Finnish European, 0.000085%; no homozygotes.

Submissions (2):

CeGaT Center for Human Genetics Tuebingen
Classification: Likely benign. Last evaluated: 2024-04-01. Review status: criteria provided, single submitter. Criteria: CeGaT Center For Human Genetics Tuebingen Variant Classification Criteria Version 2. Collection method: clinical testing. Allele origin: germline. Affected: yes. Observed: 1 variant allele.
Comment: ARSA: BP4, BP7

Labcorp Genetics (formerly Invitae), Labcorp
Classification: Likely benign for Metachromatic leukodystrophy. Last evaluated: 2022-06-25. Review status: criteria provided, single submitter. Criteria: Invitae Variant Classification Sherloc (09022015). Collection method: clinical testing. Allele origin: germline.

NM_000487.6(ARSA):c.1005C>A (p.Ser335=)

Gene: ARSA (arylsulfatase A; minus strand). Cytogenetic location: 22q13.33.
Variant type: single nucleotide variant.
Coding change: c.1005C>A on transcript NM_000487.6 (MANE Select); coding-DNA position 1005, C replaced by A.
Protein change: p.Ser335=; no amino-acid change (serine 335 retained).
Molecular consequence: synonymous variant.
Genome position (GRCh38, 1-based): chr22:50,626,038, G>T on the plus strand (C>A on the coding strand, the complement: ARSA is on the minus strand). VCF-style: chr22-50626038-G-T. GRCh37 (hg19) VCF-style: chr22-51064466-G-T.
Other names: c.1005C>A, p.Ser335= (NM_001085425.3, NM_001085426.3, NM_001085427.3); c.747C>A, p.Ser249= (NM_001085428.3, NM_001362782.2).
Identifiers: ClinVar variation 2418653 (VCV002418653.25), dbSNP rs745783614, ClinGen allele CA10324841.